The following is an entry in ClinVar:

ClinVar aggregate classification (germline): Uncertain significance. Review status: criteria provided, multiple submitters, no conflicts (2 of 4 stars). 2 submissions from 2 submitters: Uncertain significance (2). Last evaluated 2025-07-30.

Conditions:
Multiple congenital exostosis (EXT). Also called: Hereditary multiple exostoses; Hereditary multiple exostosis; Multiple osteochondromas; Hereditary multiple osteochondromas; MULTIPLE CARTILAGINOUS EXOSTOSES; Multiple exostoses. Identifiers: Orphanet 321, MedGen C0015306, MONDO:0005508, HP:0002762.
Chondrosarcoma. Also called: Chondrosarcoma, somatic. Identifiers: Orphanet 55880, MedGen C0008479, MONDO:0008977, OMIM 215300, HP:0006765.

Allele frequency attached by ClinVar (database versions not stated): ExAC 0.00001; gnomAD 0.00001; TOPMed 0.00001; gnomAD exomes 0.00002.
gnomAD v4.1: 33 of 1,610,864 alleles (0.002%); highest among the groups gnomAD compares: Non-Finnish European, 0.0027%; no homozygotes.

Submissions (2):

Labcorp Genetics (formerly Invitae), Labcorp
Classification: Uncertain significance for Multiple congenital exostosis. Last evaluated: 2025-07-30. Review status: criteria provided, single submitter. Criteria: Invitae Variant Classification Sherloc (09022015). Collection method: clinical testing. Allele origin: germline.
Comment: This sequence change replaces glycine, which is neutral and non-polar, with arginine, which is basic and polar, at codon 25 of the EXT1 protein (p.Gly25Arg). This variant is present in population databases (rs752644731, gnomAD 0.002%). This variant has not been reported in the literature in individuals affected with EXT1-related conditions. ClinVar contains an entry for this variant (Variation ID: 2178865). Invitae Evidence Modeling of protein sequence and biophysical properties (such as structural, functional, and spatial information, amino acid conservation, physicochemical variation, residue mobility, and thermodynamic stability) has been performed for this missense variant. However, the output from this modeling did not meet the statistical confidence thresholds required to predict the impact of this variant on EXT1 protein function. Algorithms developed to predict the effect of sequence changes on RNA splicing suggest that this variant may create or strengthen a splice site. In summary, the available evidence is currently insufficient to determine the role of this variant in disease. Therefore, it has been classified as a Variant of Uncertain Significance.

Baylor Genetics
Classification: Uncertain significance for Chondrosarcoma. Last evaluated: 2023-12-30. Review status: criteria provided, single submitter. Criteria: ACMG Guidelines, 2015. Collection method: clinical testing. Allele origin: unknown.

NM_000127.3(EXT1):c.73G>C (p.Gly25Arg)

Gene: EXT1 (exostosin glycosyltransferase 1; minus strand). Cytogenetic location: 8q24.11.
Variant type: single nucleotide variant.
Coding change: c.73G>C on transcript NM_000127.3 (MANE Select); coding-DNA position 73, G replaced by C.
Protein change: p.Gly25Arg; replaces glycine 25 with arginine.
Molecular consequence: missense variant.
Genome position (GRCh38, 1-based): chr8:118,110,974, C>G on the plus strand (G>C on the coding strand, the complement: EXT1 is on the minus strand). VCF-style: chr8-118110974-C-G. GRCh37 (hg19) VCF-style: chr8-119123213-C-G.
Other names: short protein forms G25R.
Identifiers: ClinVar variation 2178865 (VCV002178865.5), dbSNP rs752644731, ClinGen allele CA4854432.